The following is an entry in ClinVar:

ClinVar aggregate classification (germline): Uncertain significance (1 of 4 stars; one submission).

Allele frequency attached by ClinVar (database versions not stated): gnomAD 0.00005; 1000 Genomes Project 0.00040; ExAC 0.00044; 1000 Genomes Project 30x 0.00062.
gnomAD v4.1: 76 of 1,086,198 alleles (0.007%); highest among the groups gnomAD compares: South Asian, 0.093%; 2 homozygotes.

Submission:

Labcorp Genetics (formerly Invitae), Labcorp
Classification: Uncertain significance. Last evaluated: 2024-04-25. Review status: criteria provided, single submitter. Criteria: Invitae Variant Classification Sherloc (09022015). Collection method: clinical testing. Allele origin: germline.
Comment: This sequence change replaces isoleucine, which is neutral and non-polar, with threonine, which is neutral and polar, at codon 2738 of the OTOG protein (p.Ile2738Thr). This variant is present in population databases (rs538194505, gnomAD 0.06%), including at least one homozygous and/or hemizygous individual. This variant has not been reported in the literature in individuals affected with OTOG-related conditions. ClinVar contains an entry for this variant (Variation ID: 2183388). An algorithm developed to predict the effect of missense changes on protein structure and function (PolyPhen-2) suggests that this variant is likely to be tolerated. In summary, the available evidence is currently insufficient to determine the role of this variant in disease. Therefore, it has been classified as a Variant of Uncertain Significance.

NM_001292063.2(OTOG):c.8177T>C (p.Ile2726Thr)

Gene: OTOG (otogelin; plus strand). Cytogenetic location: 11p15.1.
Variant type: single nucleotide variant.
Coding change: c.8177T>C on transcript NM_001292063.2 (MANE Select); coding-DNA position 8177, T replaced by C.
Protein change: p.Ile2726Thr; replaces isoleucine 2726 with threonine.
Molecular consequence: missense variant.
Genome position (GRCh38, 1-based): chr11:17,641,078, T>C. VCF-style: chr11-17641078-T-C. GRCh37 (hg19) VCF-style: chr11-17662625-T-C.
Other names: c.8213T>C, p.Ile2738Thr (NM_001277269.2); short protein forms I2738T, I2726T.
Identifiers: ClinVar variation 2183388 (VCV002183388.3), dbSNP rs538194505, ClinGen allele CA5906238.